The following is an entry in ClinVar:

NM_004813.4(PEX16):c.888-1G>C

Gene: PEX16 (peroxisomal biogenesis factor 16; minus strand). Cytogenetic location: 11p11.2.
Variant type: single nucleotide variant.
Coding change: c.888-1G>C on transcript NM_004813.4 (MANE Select); the canonical splice acceptor site of the intron before coding-DNA position 888, G replaced by C.
Molecular consequence: splice acceptor variant.
Genome position (GRCh38, 1-based): chr11:45,910,963, C>G on the plus strand (G>C on the coding strand, the complement: PEX16 is on the minus strand). VCF-style: chr11-45910963-C-G. GRCh37 (hg19) VCF-style: chr11-45932514-C-G.
Other names: c.888-1G>C (NM_057174.3).
Identifiers: ClinVar variation 1978274 (VCV001978274.5), dbSNP rs778478085, ClinGen allele CA5959770.

ClinVar aggregate classification (germline): Likely pathogenic. Review status: criteria provided, multiple submitters, no conflicts (2 of 4 stars). 2 submissions from 2 submitters: Likely pathogenic (2). Last evaluated 2023-11-15.

Conditions:
PEX16-related disorder. Also called: PEX16-related condition.
Peroxisome biogenesis disorder. Identifiers: Orphanet 79189, MedGen C1832200, MONDO:0019234. Disease mechanism: loss of function.

Allele frequency attached by ClinVar (database versions not stated): gnomAD exomes below 0.00001; ExAC 0.00001; gnomAD 0.00001; TOPMed 0.00001.

Submissions (2):

Labcorp Genetics (formerly Invitae), Labcorp
Classification: Likely pathogenic for Peroxisome biogenesis disorder. Last evaluated: 2023-11-15. Review status: criteria provided, single submitter. Criteria: Invitae Variant Classification Sherloc (09022015). Collection method: clinical testing. Allele origin: germline.
Comment: This sequence change affects an acceptor splice site in intron 9 of the PEX16 gene. It is expected to disrupt RNA splicing. Variants that disrupt the donor or acceptor splice site typically lead to a loss of protein function (PMID: 16199547), and loss-of-function variants in PEX16 are known to be pathogenic (PMID: 9837814, 11890679, 20647552, 20681997). This variant is present in population databases (rs778478085, gnomAD 0.0009%). This variant has not been reported in the literature in individuals affected with PEX16-related conditions. ClinVar contains an entry for this variant (Variation ID: 1978274). Algorithms developed to predict the effect of sequence changes on RNA splicing suggest that this variant may disrupt the consensus splice site. In summary, the currently available evidence indicates that the variant is pathogenic, but additional data are needed to prove that conclusively. Therefore, this variant has been classified as Likely Pathogenic.

Blueprint Genetics
Classification: Likely pathogenic for PEX16-related disorders. Last evaluated: 2020-08-27. Review status: criteria provided, single submitter. Criteria: ACMG Guidelines, 2015. Collection method: clinical testing. Allele origin: germline. Affected: yes. Observed: 2 variant alleles.

Literature cited by the submitters: PubMed 16199547 (cited by Labcorp Genetics (formerly Invitae), Labcorp); PubMed 9837814 (cited by Labcorp Genetics (formerly Invitae), Labcorp); PubMed 11890679 (cited by Labcorp Genetics (formerly Invitae), Labcorp); PubMed 20647552 (cited by Labcorp Genetics (formerly Invitae), Labcorp); PubMed 20681997 (cited by Labcorp Genetics (formerly Invitae), Labcorp).